The following is an entry in ClinVar:

NM_001330700.2(TOP2B):c.4195G>C (p.Ala1399Pro)

Gene: TOP2B (DNA topoisomerase II beta; minus strand). Cytogenetic location: 3p24.2.
Variant type: single nucleotide variant.
Coding change: c.4195G>C on transcript NM_001330700.2 (MANE Select); coding-DNA position 4195, G replaced by C.
Protein change: p.Ala1399Pro; replaces alanine 1399 with proline.
Molecular consequence: missense variant.
Genome position (GRCh38, 1-based): chr3:25,607,274, C>G on the plus strand (G>C on the coding strand, the complement: TOP2B is on the minus strand). VCF-style: chr3-25607274-C-G. GRCh37 (hg19) VCF-style: chr3-25648765-C-G.
Other names: c.4180G>C, p.Ala1394Pro (NM_001068.3); short protein forms A1394P, A1399P.
Identifiers: ClinVar variation 3665262 (VCV003665262.2).

ClinVar aggregate classification (germline): Uncertain significance (1 of 4 stars; one submission).

gnomAD v4.1: 6 of 1,577,164 alleles (0.00038%); highest among the groups gnomAD compares: Admixed American, 0.0092%; no homozygotes.

Submission:

Labcorp Genetics (formerly Invitae), Labcorp
Classification: Uncertain significance. Last evaluated: 2025-08-26. Review status: criteria provided, single submitter. Criteria: Invitae Variant Classification Sherloc (09022015). Collection method: clinical testing. Allele origin: germline.
Comment: This sequence change replaces alanine, which is neutral and non-polar, with proline, which is neutral and non-polar, at codon 1394 of the TOP2B protein (p.Ala1394Pro). This variant is present in population databases (rs774941339, gnomAD 0.02%). This variant has not been reported in the literature in individuals affected with TOP2B-related conditions. ClinVar contains an entry for this variant (Variation ID: 3665262). An algorithm developed to predict the effect of missense changes on protein structure and function (PolyPhen-2) suggests that this variant is likely to be tolerated. In summary, the available evidence is currently insufficient to determine the role of this variant in disease. Therefore, it has been classified as a Variant of Uncertain Significance.